The following is an entry in ClinVar:

ClinVar aggregate classification (germline): Uncertain significance. Review status: criteria provided, multiple submitters, no conflicts (2 of 4 stars). 2 submissions from 2 submitters: Uncertain significance (2). Last evaluated 2025-06-25.

Conditions:
Inborn genetic diseases. Identifiers: MedGen C0950123, MeSH D030342.
Combined immunodeficiency due to LRBA deficiency. Also called: Common variable immunodeficiency 8, with autoimmunity. Identifiers: Orphanet 445018, MedGen C3553512, MONDO:0013863, OMIM 614700.

Allele frequency attached by ClinVar (database versions not stated): gnomAD exomes below 0.00001; TOPMed below 0.00001; ExAC 0.00001; gnomAD 0.00001; ESP Exome Variant Server 0.00008.
gnomAD v4.1: 2 of 1,598,348 alleles (0.00013%); highest among the groups gnomAD compares: Non-Finnish European, 0.00017%; no homozygotes.

Submissions (2):

Ambry Genetics
Classification: Uncertain significance for Inborn genetic diseases. Last evaluated: 2025-06-25. Review status: criteria provided, single submitter. Criteria: Ambry Variant Classification Scheme 2023. Collection method: clinical testing. Allele origin: germline.

Labcorp Genetics (formerly Invitae), Labcorp
Classification: Uncertain significance for Combined immunodeficiency due to LRBA deficiency. Last evaluated: 2022-06-26. Review status: criteria provided, single submitter. Criteria: Invitae Variant Classification Sherloc (09022015). Collection method: clinical testing. Allele origin: germline.
Comment: In summary, the available evidence is currently insufficient to determine the role of this variant in disease. Therefore, it has been classified as a Variant of Uncertain Significance. Algorithms developed to predict the effect of missense changes on protein structure and function are either unavailable or do not agree on the potential impact of this missense change (SIFT: "Deleterious"; PolyPhen-2: "Possibly Damaging"; Align-GVGD: "Class C0"). ClinVar contains an entry for this variant (Variation ID: 844160). This variant has not been reported in the literature in individuals affected with LRBA-related conditions. This variant is present in population databases (rs150060009, gnomAD 0.002%). This sequence change replaces serine, which is neutral and polar, with cysteine, which is neutral and slightly polar, at codon 1568 of the LRBA protein (p.Ser1568Cys).

NM_001364905.1(LRBA):c.4702A>T (p.Ser1568Cys)

Gene: LRBA (LPS responsive beige-like anchor protein; minus strand). Cytogenetic location: 4q31.3.
Variant type: single nucleotide variant.
Coding change: c.4702A>T on transcript NM_001364905.1 (MANE Select); coding-DNA position 4702, A replaced by T.
Protein change: p.Ser1568Cys; replaces serine 1568 with cysteine.
Molecular consequence: missense variant.
Genome position (GRCh38, 1-based): chr4:150,831,844, T>A on the plus strand (A>T on the coding strand, the complement: LRBA is on the minus strand). VCF-style: chr4-150831844-T-A. GRCh37 (hg19) VCF-style: chr4-151752996-T-A.
Other names: c.4702A>T, p.Ser1568Cys (NM_001199282.3, NM_001367550.1, NM_006726.5); short protein forms S1568C.
Identifiers: ClinVar variation 844160 (VCV000844160.8), dbSNP rs150060009, ClinGen allele CA3102681.
Genomic context (GRCh38, chr4:150,831,844, plus strand): 5'-TTTGGTACAAAGGAATAGAAAATGCAAACTTACCAGAGAGTGATACATTCTCATTTTCAC[T>A]GCCAGTTTCTGTACATGACTGGCTATGCCTTTCATTTTGGGGTTCCAAAATGTCTCTGTA-3'
Protein context (NP_001351834.1, residues 1558-1578): RHSQSCTETG[Ser1568Cys]ENENVSLSEI